The following is an entry in ClinVar:

ClinVar aggregate classification (germline): Uncertain significance (1 of 4 stars; one submission).

Allele frequency attached by ClinVar (database versions not stated): gnomAD exomes below 0.00001.
gnomAD v4.1: 1 of 1,614,228 alleles (0.000062%); highest among the groups gnomAD compares: Non-Finnish European, 0.000085%; no homozygotes.

Submission:

Ambry Genetics
Classification: Uncertain significance. Last evaluated: 2024-05-29. Review status: criteria provided, single submitter. Criteria: Ambry Variant Classification Scheme 2023. Collection method: clinical testing. Allele origin: germline.
Comment: The p.L1457F variant (also known as c.4369C>T), located in coding exon 4 of the ALPK2 gene, results from a C to T substitution at nucleotide position 4369. The leucine at codon 1457 is replaced by phenylalanine, an amino acid with highly similar properties. This amino acid position is conserved. In addition, this alteration is predicted to be tolerated by in silico analysis. Since supporting evidence is limited at this time, the clinical significance of this alteration remains unclear.

NM_052947.4(ALPK2):c.4369C>T (p.Leu1457Phe)

Genes: ALPK2 (alpha kinase 2; minus strand), LOC126862764 (BRD4-independent group 4 enhancer GRCh37_chr18:56202574-56203773; plus strand). Cytogenetic location: 18q21.31.
Variant type: single nucleotide variant.
Coding change: c.4369C>T on transcript NM_052947.4 (MANE Select); coding-DNA position 4369, C replaced by T.
Protein change: p.Leu1457Phe; replaces leucine 1457 with phenylalanine.
Molecular consequence: missense variant.
Genome position (GRCh38, 1-based): chr18:58,535,818, G>A on the plus strand (C>T on the coding strand, the complement: ALPK2 is on the minus strand). VCF-style: chr18-58535818-G-A. GRCh37 (hg19) VCF-style: chr18-56203050-G-A.
Other names: short protein forms L1457F.
Identifiers: ClinVar variation 1740063 (VCV001740063.3), dbSNP rs2518874854, ClinGen allele CA402562936.